The following is an entry in ClinVar:

NM_033305.3(VPS13A):c.1299G>A (p.Trp433Ter)

Gene: VPS13A (vacuolar protein sorting 13 homolog A; plus strand). Cytogenetic location: 9q21.2.
Variant type: single nucleotide variant.
Coding change: c.1299G>A on transcript NM_033305.3 (MANE Select); coding-DNA position 1299, G replaced by A.
Protein change: p.Trp433Ter; replaces tryptophan 433 with a stop codon.
Molecular consequence: nonsense.
Genome position (GRCh38, 1-based): chr9:77,226,540, G>A. VCF-style: chr9-77226540-G-A. GRCh37 (hg19) VCF-style: chr9-79841456-G-A.
Other names: c.1299G>A, p.Trp433Ter (NM_001018037.2, NM_001018038.3, NM_015186.4); short protein forms W433*.
Identifiers: ClinVar variation 5012423 (VCV005012423.1).

ClinVar aggregate classification (germline): Pathogenic (1 of 4 stars; one submission).

Conditions:
VPS13A-related neurodegenerative disease. Also called: ACANTHOCYTOSIS WITH NEUROLOGIC DISORDER; LEVINE-CRITCHLEY SYNDROME; Choreoacanthocytosis; Chorea-acanthocytosis; Choreaacanthocytosis; VPS13A Disease. Identifiers: Orphanet 2388, MedGen C0393576, MONDO:0008695, OMIM 200150.

gnomAD v4.1: 1 of 1,613,178 alleles (0.000062%); highest among the groups gnomAD compares: Non-Finnish European, 0.000085%; no homozygotes.

Submission:

Myriad Genetics, Inc.
Classification: Pathogenic for VPS13A-related neurodegenerative disease. Last evaluated: 2023-10-25. Review status: criteria provided, single submitter. Criteria: Myriad Autosomal Dominant, Autosomal Recessive and X-Linked Classification Criteria (2023). Collection method: clinical testing. Allele origin: unknown.
Comment: NM_033305.2(VPS13A):c.1299G>A(W433*) is expected to be pathogenic in the context of VPS13A disease. This variant is predicted to lead to an abnormal or absent protein product due to the creation of a premature termination codon in VPS13A, a gene where loss-of-function variants are known to be pathogenic. Please note: this variant was assessed in the context of healthy population screening.